The following is an entry in ClinVar:

ClinVar aggregate classification (germline): Uncertain significance (1 of 4 stars; one submission).

Submission:

GeneDx
Classification: Uncertain significance. Last evaluated: 2025-08-06. Review status: criteria provided, single submitter. Criteria: GeneDx Variant Classification Process June 2021. Collection method: clinical testing. Allele origin: germline. Affected: yes.
Comment: Not observed at significant frequency in large population cohorts (gnomAD); In silico analysis supports that this missense variant has a deleterious effect on protein structure/function; Has not been previously published as pathogenic or benign to our knowledge

NM_000260.4(MYO7A):c.1714A>T (p.Thr572Ser)

Gene: MYO7A (myosin VIIA; plus strand). Cytogenetic location: 11q13.5.
Variant type: single nucleotide variant.
Coding change: c.1714A>T on transcript NM_000260.4 (MANE Select); coding-DNA position 1714, A replaced by T.
Protein change: p.Thr572Ser; replaces threonine 572 with serine.
Molecular consequence: missense variant.
Genome position (GRCh38, 1-based): chr11:77,166,079, A>T. VCF-style: chr11-77166079-A-T. GRCh37 (hg19) VCF-style: chr11-76877125-A-T.
Other names: c.1714A>T, p.Thr572Ser (NM_001127180.2); c.1681A>T, p.Thr561Ser (NM_001369365.1); short protein forms T561S, T572S.
Identifiers: ClinVar variation 4755875 (VCV004755875.1).